The following is an entry in ClinVar:

ClinVar aggregate classification (germline): Conflicting classifications of pathogenicity. Review status: criteria provided, conflicting classifications (1 of 4 stars). 8 submissions from 8 submitters: Uncertain significance (2); Likely benign (5). 1 of the submissions does not count toward it. Last evaluated 2026-03-01.

Conditions:
SCN2A-related disorder. Also called: SCN2A-related condition; SCN2A-related disorders. Identifiers: MedGen CN382226, MONDO:1060245.
Inborn genetic diseases. Identifiers: MedGen C0950123, MeSH D030342.
Developmental and epileptic encephalopathy, 11 (DEE11). Also called: Early infantile epileptic encephalopathy 11. Identifiers: Orphanet 1934, MedGen C3150987, MONDO:0013388, OMIM 613721.
Seizures, benign familial infantile, 3 (BFIS3). Also called: CONVULSIONS, BENIGN FAMILIAL INFANTILE, 3; Familial neonatal seizures. Identifiers: Orphanet 140927, Orphanet 306, MedGen C1843140, MONDO:0011904, OMIM 607745.

Allele frequency attached by ClinVar (database versions not stated): ESP Exome Variant Server 0.00031; gnomAD exomes 0.00012 and 0.00018; ExAC 0.00019; gnomAD 0.00023 and 0.00024; TOPMed 0.00024.
gnomAD v4.1: 287 of 1,611,038 alleles (0.018%); highest among the groups gnomAD compares: Non-Finnish European, 0.023%; no homozygotes.

Submissions (8):

CeGaT Center for Human Genetics Tuebingen
Classification: Likely benign. Last evaluated: 2026-03-01. Review status: criteria provided, single submitter. Criteria: CeGaT Center For Human Genetics Tuebingen Variant Classification Criteria Version 2. Collection method: clinical testing. Allele origin: germline. Affected: yes. Observed: 2 variant alleles.
Comment: SCN2A: BS1

Labcorp Genetics (formerly Invitae), Labcorp
Classification: Likely benign for Seizures, benign familial infantile, 3; Developmental and epileptic encephalopathy, 11. Last evaluated: 2025-11-29. Review status: criteria provided, single submitter. Criteria: Invitae Variant Classification Sherloc (09022015). Collection method: clinical testing. Allele origin: germline.

Women's Health and Genetics/Laboratory Corporation of America, LabCorp
Classification: Uncertain significance. Last evaluated: 2025-10-13. Review status: criteria provided, single submitter. Criteria: LabCorp Variant Classification Summary - May 2015. Collection method: clinical testing. Allele origin: germline.
Comment: Variant summary: SCN2A c.952G>A (p.Glu318Lys) results in a conservative amino acid change in the encoded protein sequence. Algorithms developed to predict the effect of missense changes on protein structure and function are either unavailable or do not agree on the potential impact of this missense change. The variant allele was found at a frequency of 0.00012 in 249716 control chromosomes (gnomAD). This frequency is not significantly higher than estimated for disease-causing variants in SCN2A, allowing no conclusion about variant significance. c.952G>A has been observed in one individual affected with infantile-onset seizures with or without neurodevelopmental delay (Fernndez-Marmiesse_2019). The report does not provide unequivocal conclusions about association of the variant with Early Infantile Epileptic Encephalopathy 11. To our knowledge, no experimental evidence demonstrating an impact on protein function has been reported. The following publication have been ascertained in the context of this evaluation (PMID: 31780880). ClinVar contains an entry for this variant (Variation ID: 207045). Based on the evidence outlined above, the variant was classified as uncertain significance.

GeneDx
Classification: Likely benign. Last evaluated: 2020-07-06. Review status: criteria provided, single submitter. Criteria: GeneDx Variant Classification Process June 2021. Collection method: clinical testing. Allele origin: germline. Affected: yes.
Comment: This variant is associated with the following publications: (PMID: 31780880)

Revvity Omics, Revvity
Classification: Uncertain significance. Last evaluated: 2019-08-23. Review status: criteria provided, single submitter. Criteria: ACMG Guidelines, 2015. Collection method: clinical testing. Allele origin: germline.

Ambry Genetics
Classification: Likely benign for Inborn genetic diseases. Last evaluated: 2019-05-21. Review status: criteria provided, single submitter. Criteria: Ambry Variant Classification Scheme 2023. Collection method: clinical testing. Allele origin: germline.

Athena Diagnostics
Classification: Likely benign. Last evaluated: 2019-04-25. Review status: criteria provided, single submitter. Criteria: Athena Diagnostics Criteria. Collection method: clinical testing. Allele origin: germline.

PreventionGenetics, part of Exact Sciences
Classification: Likely benign for SCN2A-related condition. Last evaluated: 2024-09-17. Review status: no assertion criteria provided. Collection method: clinical testing. Allele origin: germline. Not counted in ClinVar's aggregate classification.
Comment: This variant is classified as likely benign based on ACMG/AMP sequence variant interpretation guidelines (Richards et al. 2015 PMID: 25741868, with internal and published modifications).

Literature cited by the submitters: PubMed 31780880 (cited by Women's Health and Genetics/Laboratory Corporation of America, LabCorp).

NM_001040142.2(SCN2A):c.952G>A (p.Glu318Lys)

Gene: SCN2A (sodium voltage-gated channel alpha subunit 2; plus strand). Cytogenetic location: 2q24.3.
Variant type: single nucleotide variant.
Coding change: c.952G>A on transcript NM_001040142.2 (MANE Select); coding-DNA position 952, G replaced by A.
Protein change: p.Glu318Lys; replaces glutamic acid 318 with lysine.
Molecular consequence: missense variant.
Genome position (GRCh38, 1-based): chr2:165,310,577, G>A. VCF-style: chr2-165310577-G-A. GRCh37 (hg19) VCF-style: chr2-166167087-G-A.
Other names: p.E318K:GAA>AAA; c.952G>A, p.Glu318Lys (NM_001040143.2, NM_001371246.1, NM_001371247.1 and 1 more transcripts); short protein forms E318K.
Identifiers: ClinVar variation 207045 (VCV000207045.37), dbSNP rs149987700, ClinGen allele CA318092.